The following is an entry in ClinVar:

NM_007214.5(SEC63):c.1936-27_1936-25dup

Gene: SEC63 (SEC63 protein translocation regulator; minus strand). Cytogenetic location: 6q21.
Variant type: Duplication.
Coding change: c.1936-27_1936-25dup on transcript NM_007214.5 (MANE Select); 27 bases into the intron before coding-DNA position 1936 through 25 bases into the intron before coding-DNA position 1936, 3 bases duplicated (TTT; older notation c.1936-27_1936-25dupTTT).
Molecular consequence: intron variant.
Genome position (GRCh38, 1-based): chr6:107,876,671-107,876,673, AAA duplicated on the plus strand (TTT on the coding strand, the reverse complement: SEC63 is on the minus strand); duplicating any 3 consecutive bases within chr6:107,876,671-107,876,689 gives the same sequence; the c. name uses the placement nearest the transcript's 3' end. VCF-style (leftmost placement, unchanged base first): chr6-107876670-C-CAAA. GRCh37 (hg19) VCF-style: chr6-108197874-C-CAAA.
Other names: p.?; c.1936-11_1936-9dup (NM_007214.5).
Identifiers: ClinVar variation 1285084 (VCV001285084.7), dbSNP rs749125299, ClinGen allele CA145654125.
Genomic context (GRCh38, chr6:107,876,670, plus strand): 5'-AATGTCTGCTCCTTCCTATCTGCAATGTAAAGCCACCACCATTCTTGTTTTTCCTGGAAA[C>CAAA]AAAAAAAAAAAAAAAAAAAGAAGAGGGGTATAAATAATCAGAAAGAACTAGAAAGAATAT-3'

ClinVar aggregate classification (germline): Benign/Likely benign. Review status: criteria provided, multiple submitters, no conflicts (2 of 4 stars). 5 submissions from 5 submitters: Benign (1); Likely benign (2). 2 of the submissions do not count toward it. Last evaluated 2026-01-15.

Conditions:
Polycystic liver disease 2 (PCLD2). Also called: Polycystic liver disease 2 with or without kidney cysts. Identifiers: Orphanet 2924, MedGen C4310769, MONDO:0014860, OMIM 617004.

Submissions (5):

Labcorp Genetics (formerly Invitae), Labcorp
Classification: Benign. Last evaluated: 2026-01-15. Review status: criteria provided, single submitter. Criteria: Invitae Variant Classification Sherloc (09022015). Collection method: clinical testing. Allele origin: germline.

Mayo Clinic Laboratories, Mayo Clinic
Classification: Likely benign. Last evaluated: 2025-08-27. Review status: criteria provided, single submitter. Criteria: ACMG Guidelines, 2015. Collection method: clinical testing. Allele origin: germline. Observed: 61 variant alleles.
Comment: BP4, BP7

Fulgent Genetics
Classification: Likely benign for Polycystic liver disease 2. Last evaluated: 2021-11-27. Review status: criteria provided, single submitter. Criteria: ACMG Guidelines, 2015. Collection method: clinical testing. Allele origin: unknown.

Clinical Genetics DNA and cytogenetics Diagnostics Lab, Erasmus MC, Erasmus Medical Center
Classification: Benign. Review status: no assertion criteria provided. Collection method: clinical testing. Allele origin: germline. Affected: yes. Study: VKGL Data-share Consensus. Not counted in ClinVar's aggregate classification.

Genome Diagnostics Laboratory, University Medical Center Utrecht
Classification: Benign. Review status: no assertion criteria provided. Collection method: clinical testing. Allele origin: germline. Affected: yes. Study: VKGL Data-share Consensus. Not counted in ClinVar's aggregate classification.